The following is an entry in ClinVar:

NM_001903.5(CTNNA1):c.1164C>T (p.Asp388=)

Gene: CTNNA1 (catenin alpha 1; plus strand). Cytogenetic location: 5q31.2.
Variant type: single nucleotide variant.
Coding change: c.1164C>T on transcript NM_001903.5 (MANE Select); coding-DNA position 1164, C replaced by T.
Protein change: p.Asp388=; no amino-acid change (aspartic acid 388 retained).
Molecular consequence: synonymous variant. On other transcripts: 5 prime UTR variant (5), intron variant (2).
Genome position (GRCh38, 1-based): chr5:138,887,510, C>T. VCF-style: chr5-138887510-C-T. GRCh37 (hg19) VCF-style: chr5-138223199-C-T.
Other names: c.1164C>T, p.Asp388= (NM_001290307.3, NM_001323982.2, NM_001323983.1 and 3 more transcripts); c.855C>T, p.Asp285= (NM_001290309.3); c.795C>T, p.Asp265= (NM_001290310.3); c.54C>T, p.Asp18= (NM_001290312.1, NM_001323987.1, NM_001323988.1 and 18 more transcripts); c.-344C>T (NM_001324006.1, NM_001324007.1, NM_001324008.1 and 1 more transcripts); c.-219C>T (NM_001324013.1); c.-58+11913C>T (NM_001324012.1); c.-61+11913C>T (NM_001324010.1).
Identifiers: ClinVar variation 2838022 (VCV002838022.3), dbSNP rs2533012445, ClinGen allele CA446589642.

ClinVar aggregate classification (germline): Uncertain significance (1 of 4 stars; one submission).

Allele frequency attached by ClinVar (database versions not stated): gnomAD exomes below 0.00001.
gnomAD v4.1: 1 of 1,607,462 alleles (0.000062%); highest among the groups gnomAD compares: Non-Finnish European, 0.000085%; no homozygotes.

Submission:

Labcorp Genetics (formerly Invitae), Labcorp
Classification: Uncertain significance. Last evaluated: 2023-02-16. Review status: criteria provided, single submitter. Criteria: Invitae Variant Classification Sherloc (09022015). Collection method: clinical testing. Allele origin: germline.
Comment: In summary, the available evidence is currently insufficient to determine the role of this variant in disease. Therefore, it has been classified as a Variant of Uncertain Significance. Algorithms developed to predict the effect of sequence changes on RNA splicing suggest that this variant may create or strengthen a splice site. This variant has not been reported in the literature in individuals affected with CTNNA1-related conditions. This variant is not present in population databases (gnomAD no frequency). This sequence change affects codon 388 of the CTNNA1 mRNA. It is a 'silent' change, meaning that it does not change the encoded amino acid sequence of the CTNNA1 protein.